The following is an entry in ClinVar:

ClinVar aggregate classification (germline): Uncertain significance. Review status: criteria provided, multiple submitters, no conflicts (2 of 4 stars). 2 submissions from 2 submitters: Uncertain significance (2). Last evaluated 2024-11-27.

Conditions:
Cardiovascular phenotype. Identifiers: MedGen CN230736.

Submissions (2):

Labcorp Genetics (formerly Invitae), Labcorp
Classification: Uncertain significance. Last evaluated: 2024-11-27. Review status: criteria provided, single submitter. Criteria: Invitae Variant Classification Sherloc (09022015). Collection method: clinical testing. Allele origin: germline.
Comment: This sequence change replaces threonine, which is neutral and polar, with isoleucine, which is neutral and non-polar, at codon 274 of the ALPK3 protein (p.Thr274Ile). This variant is present in population databases (rs781502917, gnomAD 0.0009%). This variant has not been reported in the literature in individuals affected with ALPK3-related conditions. ClinVar contains an entry for this variant (Variation ID: 1375124). An algorithm developed to predict the effect of missense changes on protein structure and function (PolyPhen-2) suggests that this variant is likely to be disruptive. In summary, the available evidence is currently insufficient to determine the role of this variant in disease. Therefore, it has been classified as a Variant of Uncertain Significance.

Ambry Genetics
Classification: Uncertain significance for Cardiovascular phenotype. Last evaluated: 2024-06-26. Review status: criteria provided, single submitter. Criteria: Ambry Variant Classification Scheme 2023. Collection method: clinical testing. Allele origin: germline.
Comment: The p.T274I variant (also known as c.821C>T), located in coding exon 3 of the ALPK3 gene, results from a C to T substitution at nucleotide position 821. The threonine at codon 274 is replaced by isoleucine, an amino acid with similar properties. This amino acid position is conserved. In addition, this alteration is predicted to be tolerated by in silico analysis. Since supporting evidence is limited at this time, the clinical significance of this alteration remains unclear.

NM_020778.5(ALPK3):c.215C>T (p.Thr72Ile)

Gene: ALPK3 (alpha kinase 3; plus strand). Cytogenetic location: 15q25.3.
Variant type: single nucleotide variant.
Coding change: c.215C>T on transcript NM_020778.5 (MANE Select); coding-DNA position 215, C replaced by T.
Protein change: p.Thr72Ile; replaces threonine 72 with isoleucine.
Molecular consequence: missense variant.
Genome position (GRCh38, 1-based): chr15:84,827,516, C>T. VCF-style: chr15-84827516-C-T. GRCh37 (hg19) VCF-style: chr15-85370747-C-T.
Other names: short protein forms T72I.
Identifiers: ClinVar variation 1375124 (VCV001375124.9), dbSNP rs781502917, ClinGen allele CA7708891.